The following is an entry in ClinVar:

NM_001270508.2(TNFAIP3):c.106A>C (p.Ile36Leu)

Gene: TNFAIP3 (TNF alpha induced protein 3; plus strand). Cytogenetic location: 6q23.3.
Variant type: single nucleotide variant.
Coding change: c.106A>C on transcript NM_001270508.2 (MANE Select); coding-DNA position 106, A replaced by C.
Protein change: p.Ile36Leu; replaces isoleucine 36 with leucine.
Molecular consequence: missense variant.
Genome position (GRCh38, 1-based): chr6:137,871,333, A>C. VCF-style: chr6-137871333-A-C. GRCh37 (hg19) VCF-style: chr6-138192470-A-C.
Other names: c.106A>C, p.Ile36Leu (NM_001270507.2, NM_006290.4); short protein forms I36L.
Identifiers: ClinVar variation 2848637 (VCV002848637.3), dbSNP rs770145346, ClinGen allele CA365780128.
Genomic context (GRCh38, chr6:137,871,333, plus strand): 5'-CGGAAAGCTGTGAAGATACGGGAGAGAACTCCAGAAGACATTTTTAAACCTACTAATGGG[A>C]TCATTCATCATTTTAAAACCATGCACCGATACACACTGGAAATGTTCAGAACTTGCCAGT-3'
Protein context (NP_001257437.1, residues 26-46): PEDIFKPTNG[Ile36Leu]IHHFKTMHRY

ClinVar aggregate classification (germline): Uncertain significance (1 of 4 stars; one submission).

Submission:

Labcorp Genetics (formerly Invitae), Labcorp
Classification: Uncertain significance. Last evaluated: 2025-09-08. Review status: criteria provided, single submitter. Criteria: Invitae Variant Classification Sherloc (09022015). Collection method: clinical testing. Allele origin: germline.
Comment: This sequence change replaces isoleucine, which is neutral and non-polar, with leucine, which is neutral and non-polar, at codon 36 of the TNFAIP3 protein (p.Ile36Leu). This variant is not present in population databases (gnomAD no frequency). This variant has not been reported in the literature in individuals affected with TNFAIP3-related conditions. ClinVar contains an entry for this variant (Variation ID: 2848637). Invitae Evidence Modeling of protein sequence and biophysical properties (such as structural, functional, and spatial information, amino acid conservation, physicochemical variation, residue mobility, and thermodynamic stability) indicates that this missense variant is not expected to disrupt TNFAIP3 protein function with a negative predictive value of 80%. In summary, the available evidence is currently insufficient to determine the role of this variant in disease. Therefore, it has been classified as a Variant of Uncertain Significance.